The following is an entry in ClinVar:

ClinVar aggregate classification (germline): Uncertain significance (1 of 4 stars; one submission).

Submission:

Women's Health and Genetics/Laboratory Corporation of America, LabCorp
Classification: Uncertain significance. Last evaluated: 2024-07-30. Review status: criteria provided, single submitter. Criteria: LabCorp Variant Classification Summary - May 2015. Collection method: clinical testing. Allele origin: germline.
Comment: Variant summary: F8 c.-860A>G is located in the untranscribed region upstream of the F8 gene region. The variant was absent in 21558 control chromosomes. The available data on variant occurrences in the general population are insufficient to allow any conclusion about variant significance. c.-860A>G has been reported in the literature in an individual affected with Factor VIII Deficiency (Hemophilia A) who also harbored a missense variant of uncertain significance and for whom no family history or segregation data was available (Sanna_2008). This report does not provide unequivocal conclusions about association of the variant with Factor VIII Deficiency (Hemophilia A). To our knowledge, no experimental evidence demonstrating an impact on protein function has been reported. The following publication have been ascertained in the context of this evaluation (PMID: 18459951). No submitters have cited clinical-significance assessments for this variant to ClinVar. Based on the evidence outlined above, the variant was classified as uncertain significance.

Literature cited by the submitters: PubMed 18459951.

NM_000132.4(F8):c.-860A>G

Gene: F8 (coagulation factor VIII; minus strand). Cytogenetic location: Xq28.
Variant type: single nucleotide variant.
Coding change: c.-860A>G on transcript NM_000132.4 (MANE Select); 860 bases upstream of the start codon, A replaced by G.
Genome position (GRCh38, 1-based): chrX:155,023,412, T>C on the plus strand (A>G on the coding strand, the complement: F8 is on the minus strand). VCF-style: chrX-155023412-T-C. GRCh37 (hg19) VCF-style: chrX-154251687-T-C.
Identifiers: ClinVar variation 3339035 (VCV003339035.1).